The following is an entry in ClinVar:

NM_000256.3(MYBPC3):c.3104C>G (p.Ala1035Gly)

Gene: MYBPC3 (myosin binding protein C3; minus strand). Cytogenetic location: 11p11.2.
Variant type: single nucleotide variant.
Coding change: c.3104C>G on transcript NM_000256.3 (MANE Select); coding-DNA position 3104, C replaced by G.
Protein change: p.Ala1035Gly; replaces alanine 1035 with glycine.
Molecular consequence: missense variant.
Genome position (GRCh38, 1-based): chr11:47,333,643, G>C on the plus strand (C>G on the coding strand, the complement: MYBPC3 is on the minus strand). VCF-style: chr11-47333643-G-C. GRCh37 (hg19) VCF-style: chr11-47355194-G-C.
Other names: short protein forms A1035G.
Identifiers: ClinVar variation 2448106 (VCV002448106.2), dbSNP rs2495741708, ClinGen allele CA380315120.

ClinVar aggregate classification (germline): Uncertain significance (1 of 4 stars; one submission).

Conditions:
Cardiovascular phenotype. Identifiers: MedGen CN230736.

Submission:

Ambry Genetics
Classification: Uncertain significance for Cardiovascular phenotype. Last evaluated: 2023-02-10. Review status: criteria provided, single submitter. Criteria: Ambry Variant Classification Scheme 2023. Collection method: clinical testing. Allele origin: germline.
Comment: The p.A1035G variant (also known as c.3104C>G), located in coding exon 29 of the MYBPC3 gene, results from a C to G substitution at nucleotide position 3104. The alanine at codon 1035 is replaced by glycine, an amino acid with similar properties. This amino acid position is conserved. In addition, the in silico prediction for this alteration is inconclusive. Since supporting evidence is limited at this time, the clinical significance of this alteration remains unclear.